The following is an entry in ClinVar:

ClinVar aggregate classification (germline): Uncertain significance (1 of 4 stars; one submission).

Conditions:
BAP1-related tumor predisposition syndrome (TPDS1). Also called: COMMON Syndrome; TUMOR PREDISPOSITION SYNDROME 1; Tumor susceptibility linked to germline BAP1 mutations; BAP1 tumor predisposition syndrome. Identifiers: Orphanet 289539, MedGen C3280492, MONDO:0013692, OMIM 614327.

Submission:

Labcorp Genetics (formerly Invitae), Labcorp
Classification: Uncertain significance for BAP1-related tumor predisposition syndrome. Last evaluated: 2025-11-23. Review status: criteria provided, single submitter. Criteria: Invitae Variant Classification Sherloc (09022015). Collection method: clinical testing. Allele origin: germline.
Comment: This sequence change replaces phenylalanine, which is neutral and non-polar, with valine, which is neutral and non-polar, at codon 181 of the BAP1 protein (p.Phe181Val). This variant is not present in population databases (gnomAD no frequency). This variant has not been reported in the literature in individuals affected with BAP1-related conditions. Invitae Evidence Modeling of protein sequence and biophysical properties (such as structural, functional, and spatial information, amino acid conservation, physicochemical variation, residue mobility, and thermodynamic stability) indicates that this missense variant is expected to disrupt BAP1 protein function with a positive predictive value of 80%. In summary, the available evidence is currently insufficient to determine the role of this variant in disease. Therefore, it has been classified as a Variant of Uncertain Significance.

NM_004656.4(BAP1):c.541T>G (p.Phe181Val)

Gene: BAP1 (BRCA1 associated deubiquitinase 1; minus strand). Cytogenetic location: 3p21.1.
Variant type: single nucleotide variant.
Coding change: c.541T>G on transcript NM_004656.4 (MANE Select); coding-DNA position 541, T replaced by G.
Protein change: p.Phe181Val; replaces phenylalanine 181 with valine.
Molecular consequence: missense variant.
Genome position (GRCh38, 1-based): chr3:52,407,213, A>C on the plus strand (T>G on the coding strand, the complement: BAP1 is on the minus strand). VCF-style: chr3-52407213-A-C. GRCh37 (hg19) VCF-style: chr3-52441229-A-C.
Other names: c.541T>G, p.Phe181Val (NM_001410772.1); short protein forms F181V.
Identifiers: ClinVar variation 4745855 (VCV004745855.1).